The following is an entry in ClinVar:

NM_022124.6(CDH23):c.3419G>A (p.Arg1140His)

Genes: C10orf105 (chromosome 10 open reading frame 105; minus strand), CDH23 (cadherin related 23; plus strand). Cytogenetic location: 10q22.1.
Variant type: single nucleotide variant.
Coding change: c.3419G>A on transcript NM_022124.6 (MANE Select); coding-DNA position 3419, G replaced by A.
Protein change: p.Arg1140His; replaces arginine 1140 with histidine.
Molecular consequence: missense variant. On other transcripts: intron variant (1).
Genome position (GRCh38, 1-based): chr10:71,724,094, G>A. VCF-style: chr10-71724094-G-A. GRCh37 (hg19) VCF-style: chr10-73483851-G-A.
Other names: c.3419G>A, p.Arg1140His (NM_001171930.2); c.-5-7752C>T (NM_001168390.2); short protein forms R1140H.
Identifiers: ClinVar variation 2467636 (VCV002467636.3), dbSNP rs765153195, ClinGen allele CA5544710.
Genomic context (GRCh38, chr10:71,724,094, plus strand): 5'-TTCTTCCTCAGCTGAAAGCCACGGACGCAGATGAGGGCGAGTTTGGGCGTGTGTGGTACC[G>A]CATCCTCCATGGTAAGTGGGGCTGCCCTAGGATGGGGGGCGGTCCTCCTGCCCAGGGGAG-3'
Protein context (NP_071407.4, residues 1130-1150): DEGEFGRVWY[Arg1140His]ILHGNHGNNF

ClinVar aggregate classification (germline): Uncertain significance. Review status: criteria provided, multiple submitters, no conflicts (2 of 4 stars). 2 submissions from 2 submitters: Uncertain significance (2). Last evaluated 2024-03-15.

Conditions:
Inborn genetic diseases. Identifiers: MedGen C0950123, MeSH D030342.

Allele frequency attached by ClinVar (database versions not stated): ExAC 0.00014; TOPMed 0.00006.
gnomAD v4.1: 23 of 1,558,354 alleles (0.0015%); highest among the groups gnomAD compares: African/African-American, 0.014%; no homozygotes.

Submissions (2):

GeneDx
Classification: Uncertain significance. Last evaluated: 2024-03-15. Review status: criteria provided, single submitter. Criteria: GeneDx Variant Classification Process June 2021. Collection method: clinical testing. Allele origin: germline. Affected: yes.
Comment: In silico analysis supports that this missense variant has a deleterious effect on protein structure/function; Has not been previously published as pathogenic or benign to our knowledge

Ambry Genetics
Classification: Uncertain significance for Inborn genetic diseases. Last evaluated: 2023-02-16. Review status: criteria provided, single submitter. Criteria: Ambry Variant Classification Scheme 2023. Collection method: clinical testing. Allele origin: germline.